The following is an entry in ClinVar:

NM_001267550.2(TTN):c.75065C>A (p.Ser25022Tyr)

Genes: TTN (titin; minus strand), TTN-AS1 (TTN antisense RNA 1; plus strand). Cytogenetic location: 2q31.2.
Variant type: single nucleotide variant.
Coding change: c.75065C>A on transcript NM_001267550.2 (MANE Select); coding-DNA position 75065, C replaced by A.
Protein change: p.Ser25022Tyr; replaces serine 25022 with tyrosine.
Molecular consequence: missense variant.
Genome position (GRCh38, 1-based): chr2:178,571,067, G>T on the plus strand (C>A on the coding strand, the complement: TTN is on the minus strand). VCF-style: chr2-178571067-G-T. GRCh37 (hg19) VCF-style: chr2-179435794-G-T.
Other names: c.70142C>A, p.Ser23381Tyr (NM_001256850.1); c.47870C>A, p.Ser15957Tyr (NM_003319.4); c.67361C>A, p.Ser22454Tyr (NM_133378.4); c.48245C>A, p.Ser16082Tyr (NM_133432.3); c.48446C>A, p.Ser16149Tyr (NM_133437.4); short protein forms S23381Y, S15957Y, S22454Y, S16082Y, S16149Y, S25022Y.
Identifiers: ClinVar variation 1743067 (VCV001743067.2), dbSNP rs374537008, ClinGen allele CA1990108.

ClinVar aggregate classification (germline): Uncertain significance (1 of 4 stars; one submission).

Conditions:
Cardiovascular phenotype. Identifiers: MedGen CN230736.

Allele frequency attached by ClinVar (database versions not stated): gnomAD exomes below 0.00001; ExAC 0.00001; TOPMed 0.00001; ESP Exome Variant Server 0.00008.
gnomAD v4.1: 1 of 1,612,842 alleles (0.000062%); highest among the groups gnomAD compares: African/African-American, 0.0013%; no homozygotes.

Submission:

Ambry Genetics
Classification: Uncertain significance for Cardiovascular phenotype. Last evaluated: 2020-06-08. Review status: criteria provided, single submitter. Criteria: Ambry Variant Classification Scheme 2023. Collection method: clinical testing. Allele origin: germline.
Comment: The p.S15957Y variant (also known as c.47870C>A), located in coding exon 153 of the TTN gene, results from a C to A substitution at nucleotide position 47870. The serine at codon 15957 is replaced by tyrosine, an amino acid with dissimilar properties. This amino acid position is well conserved in available vertebrate species. In addition, this alteration is predicted to be tolerated by in silico analysis. Since supporting evidence is limited at this time, the clinical significance of this alteration remains unclear.